The following is an entry in ClinVar:

ClinVar aggregate classification (germline): Benign/Likely benign. Review status: criteria provided, multiple submitters, no conflicts (2 of 4 stars). 10 submissions from 10 submitters: Benign (2); Likely benign (8). Last evaluated 2026-01-30.

Conditions:
APC-related disorder. Also called: APC-related condition.
Hereditary cancer-predisposing syndrome. Also called: Neoplastic Syndromes, Hereditary; Tumor predisposition; Hereditary neoplastic syndrome; Hereditary Cancer Syndrome. Identifiers: Orphanet 140162, MedGen C0027672, MeSH D009386, MONDO:0015356.
Familial adenomatous polyposis 1 (FAP1). Also called: FAMILIAL ADENOMATOUS POLYPOSIS 1, ATTENUATED; POLYPOSIS, ADENOMATOUS INTESTINAL. Identifiers: MedGen C2713442, MONDO:0021056, OMIM 175100. Disease mechanism: loss of function.

Allele frequency attached by ClinVar (database versions not stated): ExAC 0.00002; gnomAD 0.00002 and 0.00003; TOPMed 0.00003; ESP Exome Variant Server 0.00008.
gnomAD v4.1: 55 of 1,614,186 alleles (0.0034%); highest among the groups gnomAD compares: Admixed American, 0.0067%; no homozygotes.

Submissions (10):

Labcorp Genetics (formerly Invitae), Labcorp
Classification: Likely benign for Familial adenomatous polyposis 1. Last evaluated: 2026-01-30. Review status: criteria provided, single submitter. Criteria: Invitae Variant Classification Sherloc (09022015). Collection method: clinical testing. Allele origin: germline.

Quest Diagnostics Nichols Institute San Juan Capistrano
Classification: Benign. Last evaluated: 2025-10-10. Review status: criteria provided, single submitter. Criteria: Quest Diagnostics criteria. Collection method: clinical testing. Allele origin: unknown.

Institute for Biomarker Research, Medical Diagnostic Laboratories, L.L.C.
Classification: Likely benign for Hereditary cancer-predisposing syndrome. Last evaluated: 2025-10-01. Review status: criteria provided, single submitter. Criteria: ACMG Guidelines, 2015. Collection method: clinical testing. Allele origin: germline.
Comment: The synonymous variant NM_000038.6(APC):c.288T>C (p.Tyr96=) has been reported to ClinVar as Benign/Likely benign with a status of (2 stars) criteria provided, multiple submitters, no conflicts (Variation ID 185837 as of 2025-09-04). The p.Tyr96= variant is not predicted to disrupt an existing splice site. The p.Tyr96= variant results in a substitution of a base that is not predicted conserved by GERP++ and PhyloP. For these reasons, this variant has been classified as Likely Benign.

PreventionGenetics, part of Exact Sciences
Classification: Likely benign for APC-related condition. Last evaluated: 2025-05-30. Review status: criteria provided, single submitter. Criteria: ACMG Guidelines, 2015. Collection method: clinical testing. Allele origin: germline.
Comment: This variant is classified as likely benign based on ACMG/AMP sequence variant interpretation guidelines (Richards et al. 2015 PMID: 25741868, with internal and published modifications).

Myriad Genetics, Inc.
Classification: Benign for Familial adenomatous polyposis 1. Last evaluated: 2024-02-22. Review status: criteria provided, single submitter. Criteria: Myriad Autosomal Dominant, Autosomal Recessive and X-Linked Classification Criteria (2023). Collection method: clinical testing. Allele origin: unknown.
Comment: This variant is considered benign. This variant is a silent/synonymous amino acid change and it is not expected to impact splicing.

Sema4
Classification: Likely benign for Hereditary cancer-predisposing syndrome. Last evaluated: 2022-01-10. Review status: criteria provided, single submitter. Criteria: Sema4 Curation Guidelines. Collection method: curation. Allele origin: germline.

Women's Health and Genetics/Laboratory Corporation of America, LabCorp
Classification: Likely benign. Last evaluated: 2020-01-31. Review status: criteria provided, single submitter. Criteria: LabCorp Variant Classification Summary - May 2015. Collection method: clinical testing. Allele origin: germline.

GeneDx
Classification: Likely benign. Last evaluated: 2019-03-13. Review status: criteria provided, single submitter. Criteria: GeneDx Variant Classification Process June 2021. Collection method: clinical testing. Allele origin: germline. Affected: yes.

Color Diagnostics, LLC DBA Color Health
Classification: Likely benign for Hereditary cancer-predisposing syndrome. Last evaluated: 2016-06-03. Review status: criteria provided, single submitter. Criteria: ACMG Guidelines, 2015. Collection method: clinical testing. Allele origin: germline.

Ambry Genetics
Classification: Likely benign for Hereditary cancer-predisposing syndrome. Last evaluated: 2014-08-11. Review status: criteria provided, single submitter. Criteria: Ambry Variant Classification Scheme 2023. Collection method: clinical testing. Allele origin: germline.

Literature cited by the submitters: PubMed 30267214 (cited by Quest Diagnostics Nichols Institute San Juan Capistrano).

NM_000038.6(APC):c.288T>C (p.Tyr96=)

Gene: APC (APC regulator of Wnt signaling pathway; plus strand). Cytogenetic location: 5q22.2.
Variant type: single nucleotide variant.
Coding change: c.288T>C on transcript NM_000038.6 (MANE Select); coding-DNA position 288, T replaced by C.
Protein change: p.Tyr96=; no amino-acid change (tyrosine 96 retained).
Molecular consequence: synonymous variant. On other transcripts: 5 prime UTR variant (1).
Genome position (GRCh38, 1-based): chr5:112,767,256, T>C. VCF-style: chr5-112767256-T-C. GRCh37 (hg19) VCF-style: chr5-112102953-T-C.
Other names: c.288T>C, p.Tyr96= (NM_001127510.3, NM_001354895.2, NM_001354896.2 and 2 more transcripts); c.318T>C, p.Tyr106= (NM_001127511.3, NM_001354897.2, NM_001354902.2); c.213T>C, p.Tyr71= (NM_001354898.2, NM_001354904.2); c.111T>C, p.Tyr37= (NM_001354900.2, NM_001354901.2, NM_001354905.2); c.-748T>C (NM_001354906.2).
Identifiers: ClinVar variation 185837 (VCV000185837.25), dbSNP rs376213437, ClinGen allele CA007882.